The following is an entry in ClinVar:

ClinVar aggregate classification (germline): Uncertain significance. Review status: criteria provided, multiple submitters, no conflicts (2 of 4 stars). 2 submissions from 2 submitters: Uncertain significance (2). Last evaluated 2026-01-17.

Conditions:
Cardiovascular phenotype. Identifiers: MedGen CN230736.
Noonan syndrome 9 (NS9). Identifiers: Orphanet 648, MedGen C4225282, MONDO:0014691, OMIM 616559.

Submissions (2):

Ambry Genetics
Classification: Uncertain significance for Cardiovascular phenotype. Last evaluated: 2026-01-17. Review status: criteria provided, single submitter. Criteria: Ambry Variant Classification Scheme 2023. Collection method: clinical testing. Allele origin: germline.
Comment: The p.D1105N variant (also known as c.3313G>A), located in coding exon 20 of the SOS2 gene, results from a G to A substitution at nucleotide position 3313. The aspartic acid at codon 1105 is replaced by asparagine, an amino acid with highly similar properties. This amino acid position is conserved. In addition, this alteration is predicted to be tolerated by in silico analysis. Based on the available evidence, the clinical significance of this variant remains unclear.

Labcorp Genetics (formerly Invitae), Labcorp
Classification: Uncertain significance for Noonan syndrome 9. Last evaluated: 2023-12-16. Review status: criteria provided, single submitter. Criteria: Invitae Variant Classification Sherloc (09022015). Collection method: clinical testing. Allele origin: germline.
Comment: This sequence change replaces aspartic acid, which is acidic and polar, with asparagine, which is neutral and polar, at codon 1105 of the SOS2 protein (p.Asp1105Asn). This variant is not present in population databases (gnomAD no frequency). This variant has not been reported in the literature in individuals affected with SOS2-related conditions. Advanced modeling of protein sequence and biophysical properties (such as structural, functional, and spatial information, amino acid conservation, physicochemical variation, residue mobility, and thermodynamic stability) performed at Invitae indicates that this missense variant is not expected to disrupt SOS2 protein function with a negative predictive value of 95%. In summary, the available evidence is currently insufficient to determine the role of this variant in disease. Therefore, it has been classified as a Variant of Uncertain Significance.

NM_006939.4(SOS2):c.3313G>A (p.Asp1105Asn)

Gene: SOS2 (SOS Ras/Rho guanine nucleotide exchange factor 2; minus strand). Cytogenetic location: 14q21.3.
Variant type: single nucleotide variant.
Coding change: c.3313G>A on transcript NM_006939.4 (MANE Select); coding-DNA position 3313, G replaced by A.
Protein change: p.Asp1105Asn; replaces aspartic acid 1105 with asparagine.
Molecular consequence: missense variant.
Genome position (GRCh38, 1-based): chr14:50,130,525, C>T on the plus strand (G>A on the coding strand, the complement: SOS2 is on the minus strand). VCF-style: chr14-50130525-C-T. GRCh37 (hg19) VCF-style: chr14-50597243-C-T.
Other names: c.3313G>A (NM_006939.2); c.3214G>A, p.Asp1072Asn (NM_001411020.1); short protein forms D1072N, D1105N.
Identifiers: ClinVar variation 2722549 (VCV002722549.4), dbSNP rs1883834408, ClinGen allele CA389640383.